The following is an entry in ClinVar:

NM_001267550.2(TTN):c.48074G>A (p.Ser16025Asn)

Genes: TTN (titin; minus strand), TTN-AS1 (TTN antisense RNA 1; plus strand). Cytogenetic location: 2q31.2.
Variant type: single nucleotide variant.
Coding change: c.48074G>A on transcript NM_001267550.2 (MANE Select); coding-DNA position 48074, G replaced by A.
Protein change: p.Ser16025Asn; replaces serine 16025 with asparagine.
Molecular consequence: missense variant.
Genome position (GRCh38, 1-based): chr2:178,616,815, C>T on the plus strand (G>A on the coding strand, the complement: TTN is on the minus strand). VCF-style: chr2-178616815-C-T. GRCh37 (hg19) VCF-style: chr2-179481542-C-T.
Other names: c.40370G>A, p.Ser13457Asn (NM_133378.4); c.43151G>A, p.Ser14384Asn (NM_001256850.1); c.20879G>A, p.Ser6960Asn (NM_003319.4); c.21254G>A, p.Ser7085Asn (NM_133432.3); c.21455G>A, p.Ser7152Asn (NM_133437.4); short protein forms S13457N, S16025N, S7085N, S14384N, S6960N, S7152N.
Identifiers: ClinVar variation 179224 (VCV000179224.5), dbSNP rs727504720, ClinGen allele CA183994.

ClinVar aggregate classification (germline): Uncertain significance (1 of 4 stars; one submission).

Allele frequency attached by ClinVar (database versions not stated): gnomAD exomes below 0.00001.
gnomAD v4.1: 1 of 1,612,758 alleles (0.000062%); highest among the groups gnomAD compares: Non-Finnish European, 0.000085%; no homozygotes.

Submission:

Laboratory for Molecular Medicine, Mass General Brigham Personalized Medicine
Classification: Uncertain significance. Last evaluated: 2013-09-06. Review status: criteria provided, single submitter. Criteria: LMM Criteria. Collection method: clinical testing. Allele origin: germline. Observed: 2 variant alleles.
Comment: The Ser13457Asn variant in TTN has not been reported in individuals with cardiom yopathy or in large population studies. Computational analyses (biochemical amin o acid properties, conservation, AlignGVGD, PolyPhen2, and SIFT) do not provide strong support for or against an impact to the protein. Additional information i s needed to fully assess the clinical significance of this variant.